The following is an entry in ClinVar:

ClinVar aggregate classification (germline): Uncertain significance (1 of 4 stars; one submission).

Allele frequency attached by ClinVar (database versions not stated): TOPMed below 0.00001.

Submission:

Labcorp Genetics (formerly Invitae), Labcorp
Classification: Uncertain significance. Last evaluated: 2022-02-17. Review status: criteria provided, single submitter. Criteria: Invitae Variant Classification Sherloc (09022015). Collection method: clinical testing. Allele origin: germline.
Comment: This sequence change replaces proline, which is neutral and non-polar, with alanine, which is neutral and non-polar, at codon 1415 of the COL4A6 protein (p.Pro1415Ala). This variant is not present in population databases (gnomAD no frequency). This variant has not been reported in the literature in individuals affected with COL4A6-related conditions. Algorithms developed to predict the effect of missense changes on protein structure and function are either unavailable or do not agree on the potential impact of this missense change (SIFT: "Deleterious"; PolyPhen-2: "Benign"; Align-GVGD: "Class C25"). Algorithms developed to predict the effect of sequence changes on RNA splicing suggest that this variant is not likely to affect RNA splicing. In summary, the available evidence is currently insufficient to determine the role of this variant in disease. Therefore, it has been classified as a Variant of Uncertain Significance.

NM_033641.4(COL4A6):c.4240C>G (p.Pro1414Ala)

Gene: COL4A6 (collagen type IV alpha 6 chain; minus strand). Cytogenetic location: Xq22.3.
Variant type: single nucleotide variant.
Coding change: c.4240C>G on transcript NM_033641.4 (MANE Select); coding-DNA position 4240, C replaced by G.
Protein change: p.Pro1414Ala; replaces proline 1414 with alanine.
Molecular consequence: missense variant.
Genome position (GRCh38, 1-based): chrX:108,161,712, G>C on the plus strand (C>G on the coding strand, the complement: COL4A6 is on the minus strand). VCF-style: chrX-108161712-G-C. GRCh37 (hg19) VCF-style: chrX-107404942-G-C.
Other names: c.4291C>G, p.Pro1431Ala (NM_001287758.2); c.4168C>G, p.Pro1390Ala (NM_001287759.2); c.4069C>G, p.Pro1357Ala (NM_001287760.2); c.4243C>G, p.Pro1415Ala (NM_001847.4); short protein forms P1357A, P1414A, P1415A, P1431A, P1390A.
Identifiers: ClinVar variation 2142128 (VCV002142128.4), dbSNP rs2033945624, ClinGen allele CA413851782.